The following is an entry in ClinVar:

NM_006019.4(TCIRG1):c.2415-2A>G

Gene: TCIRG1 (T cell immune regulator 1, ATPase H+ transporting V0 subunit a3; plus strand). Cytogenetic location: 11q13.2.
Variant type: single nucleotide variant.
Coding change: c.2415-2A>G on transcript NM_006019.4 (MANE Select); the canonical splice acceptor site of the intron before coding-DNA position 2415, A replaced by G.
Molecular consequence: splice acceptor variant.
Genome position (GRCh38, 1-based): chr11:68,050,739, A>G. VCF-style: chr11-68050739-A-G. GRCh37 (hg19) VCF-style: chr11-67818206-A-G.
Other names: c.1521-2A>G (NM_001351059.2); c.1767-2A>G (NM_006053.4).
Identifiers: ClinVar variation 554390 (VCV000554390.10), dbSNP rs1555000376, ClinGen allele CA381592419.

ClinVar aggregate classification (germline): Conflicting classifications of pathogenicity. Review status: criteria provided, conflicting classifications (1 of 4 stars). 4 submissions from 4 submitters: Likely pathogenic (2); Uncertain significance (1). 1 of the submissions does not count toward it. Last evaluated 2025-08-18.

Conditions:
Autosomal recessive osteopetrosis 1. Also called: TCIRG1-Related Autosomal Recessive Osteopetrosis; TCIRG1-Related Osteopetrosis; ALBERS-SCHONBERG DISEASE, AUTOSOMAL RECESSIVE. Identifiers: Orphanet 667, MedGen C1850127, MONDO:0009815, OMIM 259700.

Allele frequency attached by ClinVar (database versions not stated): gnomAD exomes below 0.00001.
gnomAD v4.1: 2 of 1,613,876 alleles (0.00012%); highest among the groups gnomAD compares: Non-Finnish European, 0.00017%; no homozygotes.

Submissions (4):

Labcorp Genetics (formerly Invitae), Labcorp
Classification: Uncertain significance. Last evaluated: 2025-08-18. Review status: criteria provided, single submitter. Criteria: Invitae Variant Classification Sherloc (09022015). Collection method: clinical testing. Allele origin: germline.
Comment: This sequence change affects an acceptor splice site in intron 19 of the TCIRG1 gene. While this variant is not anticipated to result in nonsense mediated decay, it likely alters RNA splicing and results in a disrupted protein product. This variant is not present in population databases (gnomAD no frequency). Disruption of this splice site has been observed in individual(s) with osteopetrosis (PMID: 24108692). ClinVar contains an entry for this variant (Variation ID: 554390). Variants that disrupt the consensus splice site are a relatively common cause of aberrant splicing (PMID: 17576681, 9536098). Algorithms developed to predict the effect of sequence changes on RNA splicing suggest that this variant may disrupt the consensus splice site. In summary, the available evidence is currently insufficient to determine the role of this variant in disease. Therefore, it has been classified as a Variant of Uncertain Significance.

GeneDx
Classification: Likely pathogenic. Last evaluated: 2025-04-24. Review status: criteria provided, single submitter. Criteria: GeneDx Variant Classification Process June 2021. Collection method: clinical testing. Allele origin: germline. Affected: yes.
Comment: Canonical splice site variant predicted to result in an in-frame loss of the adjacent exon in a gene for which loss of function is a known mechanism of disease; Not observed at significant frequency in large population cohorts (gnomAD); Has not been previously published as pathogenic or benign to our knowledge

Baylor Genetics
Classification: Likely pathogenic for Autosomal recessive osteopetrosis 1. Last evaluated: 2024-02-05. Review status: criteria provided, single submitter. Criteria: ACMG Guidelines, 2015. Collection method: clinical testing. Allele origin: unknown.

Counsyl
Classification: Likely pathogenic for Autosomal recessive osteopetrosis 1. Last evaluated: 2017-10-17. Review status: no assertion criteria provided. Collection method: clinical testing. Allele origin: unknown. Not counted in ClinVar's aggregate classification.

Literature cited by the submitters: PubMed 24108692 (cited by Labcorp Genetics (formerly Invitae), Labcorp); PubMed 17576681 (cited by Labcorp Genetics (formerly Invitae), Labcorp); PubMed 9536098 (cited by Labcorp Genetics (formerly Invitae), Labcorp).